The following is an entry in ClinVar:

ClinVar aggregate classification (germline): Uncertain significance (1 of 4 stars; one submission).

Conditions:
Fanconi anemia (FA). Also called: Fanconi's anemia. Identifiers: Orphanet 84, MedGen C0015625, MeSH D005199, MONDO:0019391.

Submission:

Labcorp Genetics (formerly Invitae), Labcorp
Classification: Uncertain significance for Fanconi anemia. Last evaluated: 2023-11-24. Review status: criteria provided, single submitter. Criteria: Invitae Variant Classification Sherloc (09022015). Collection method: clinical testing. Allele origin: germline.
Comment: This sequence change replaces leucine, which is neutral and non-polar, with proline, which is neutral and non-polar, at codon 412 of the FANCM protein (p.Leu412Pro). This variant is not present in population databases (gnomAD no frequency). This variant has not been reported in the literature in individuals affected with FANCM-related conditions. An algorithm developed to predict the effect of missense changes on protein structure and function (PolyPhen-2) suggests that this variant is likely to be disruptive. In summary, the available evidence is currently insufficient to determine the role of this variant in disease. Therefore, it has been classified as a Variant of Uncertain Significance.

NM_020937.4(FANCM):c.1235T>C (p.Leu412Pro)

Gene: FANCM (FA complementation group M; plus strand). Cytogenetic location: 14q21.2.
Variant type: single nucleotide variant.
Coding change: c.1235T>C on transcript NM_020937.4 (MANE Select); coding-DNA position 1235, T replaced by C.
Protein change: p.Leu412Pro; replaces leucine 412 with proline.
Molecular consequence: missense variant.
Genome position (GRCh38, 1-based): chr14:45,154,748, T>C. VCF-style: chr14-45154748-T-C. GRCh37 (hg19) VCF-style: chr14-45623951-T-C.
Other names: c.1157T>C, p.Leu386Pro (NM_001308133.2); c.1235T>C, p.Leu412Pro (NM_001308134.2); short protein forms L386P, L412P.
Identifiers: ClinVar variation 2698200 (VCV002698200.3), dbSNP rs2503106435, ClinGen allele CA389591202.